The following is an entry in ClinVar:

NM_022893.4(BCL11A):c.1204G>A (p.Glu402Lys)

Gene: BCL11A (BCL11 transcription factor A; minus strand). Cytogenetic location: 2p16.1.
Variant type: single nucleotide variant.
Coding change: c.1204G>A on transcript NM_022893.4 (MANE Select); coding-DNA position 1204, G replaced by A.
Protein change: p.Glu402Lys; replaces glutamic acid 402 with lysine.
Molecular consequence: missense variant. On other transcripts: intron variant (6).
Genome position (GRCh38, 1-based): chr2:60,461,708, C>T on the plus strand (G>A on the coding strand, the complement: BCL11A is on the minus strand). VCF-style: chr2-60461708-C-T. GRCh37 (hg19) VCF-style: chr2-60688843-C-T.
Other names: c.474+574G>A (NM_001405735.1, NM_001405734.1); c.372+574G>A (NM_001405736.1); c.211G>A, p.Glu71Lys (NM_001405731.1); c.1204G>A, p.Glu402Lys (NM_018014.4, NM_001405708.1, NM_001405709.1 and 1 more transcripts); c.630+574G>A (NM_138559.2, NM_001405732.1); c.528+574G>A (NM_001405733.1); c.1102G>A, p.Glu368Lys (NM_001363864.1, NM_001365609.1, NM_001405719.1 and 2 more transcripts); c.871G>A, p.Glu291Lys (NM_001405720.1, NM_001405721.1); and 5 more; short protein forms E171K, E223K, E250K, E291K, E316K, E350K, E368K, E402K.
Identifiers: ClinVar variation 4527816 (VCV004527816.1).

ClinVar aggregate classification (germline): Uncertain significance (1 of 4 stars; one submission).

Submission:

GeneDx
Classification: Uncertain significance. Last evaluated: 2025-04-30. Review status: criteria provided, single submitter. Criteria: GeneDx Variant Classification Process June 2021. Collection method: clinical testing. Allele origin: germline. Affected: yes.
Comment: Not observed at significant frequency in large population cohorts (gnomAD); In silico analysis supports that this missense variant has a deleterious effect on protein structure/function; Has not been previously published as pathogenic or benign to our knowledge